The following is an entry in ClinVar:

ClinVar aggregate classification (germline): Likely benign. Review status: criteria provided, multiple submitters, no conflicts (2 of 4 stars). 3 submissions from 3 submitters: Likely benign (3). Last evaluated 2026-02-03.

Conditions:
Charcot-Marie-Tooth disease type 2. Also called: Charcot-Marie-Tooth type 2. Identifiers: Orphanet 64746, MedGen C0270914, MONDO:0018993.
KIF1B-related disorder. Also called: KIF1B-related condition.

Allele frequency attached by ClinVar (database versions not stated): ExAC 0.00002; gnomAD exomes 0.00002; gnomAD 0.00003; TOPMed 0.00003.
gnomAD v4.1: 27 of 1,614,146 alleles (0.0017%); highest among the groups gnomAD compares: South Asian, 0.0066%; no homozygotes.

Submissions (3):

Labcorp Genetics (formerly Invitae), Labcorp
Classification: Likely benign for Charcot-Marie-Tooth disease type 2. Last evaluated: 2026-02-03. Review status: criteria provided, single submitter. Criteria: Invitae Variant Classification Sherloc (09022015). Collection method: clinical testing. Allele origin: germline.

PreventionGenetics, part of Exact Sciences
Classification: Likely benign for KIF1B-related condition. Last evaluated: 2025-04-29. Review status: criteria provided, single submitter. Criteria: ACMG Guidelines, 2015. Collection method: clinical testing. Allele origin: germline.
Comment: This variant is classified as likely benign based on ACMG/AMP sequence variant interpretation guidelines (Richards et al. 2015 PMID: 25741868, with internal and published modifications).

Ambry Genetics
Classification: Likely benign. Last evaluated: 2021-08-25. Review status: criteria provided, single submitter. Criteria: Ambry Variant Classification Scheme 2023. Collection method: clinical testing. Allele origin: germline.

NM_001365951.3(KIF1B):c.2826C>T (p.Asp942=)

Genes: KIF1B (kinesin family member 1B; plus strand), LOC126805614 (BRD4-independent group 4 enhancer GRCh37_chr1:10385546-10386745; plus strand). Cytogenetic location: 1p36.22.
Variant type: single nucleotide variant.
Coding change: c.2826C>T on transcript NM_001365951.3 (MANE Select); coding-DNA position 2826, C replaced by T.
Protein change: p.Asp942=; no amino-acid change (aspartic acid 942 retained).
Molecular consequence: synonymous variant.
Genome position (GRCh38, 1-based): chr1:10,326,261, C>T. VCF-style: chr1-10326261-C-T. GRCh37 (hg19) VCF-style: chr1-10386319-C-T.
Other names: c.2826C>T, p.Asp942= (NM_001365952.1); c.2688C>T, p.Asp896= (NM_015074.3).
Identifiers: ClinVar variation 1794747 (VCV001794747.6), dbSNP rs567493863, ClinGen allele CA581619.